The following is an entry in ClinVar:

ClinVar aggregate classification (germline): Likely pathogenic (1 of 4 stars; one submission).

Conditions:
Inborn genetic diseases. Identifiers: MedGen C0950123, MeSH D030342.

Submission:

Ambry Genetics
Classification: Likely pathogenic for Inborn genetic diseases. Last evaluated: 2025-03-12. Review status: criteria provided, single submitter. Criteria: Ambry Variant Classification Scheme 2023. Collection method: clinical testing. Allele origin: germline.
Comment: The c.988C>T (p.Q330*) alteration, located in exon 1 (coding exon 1) of the FOXC2 gene, consists of a C to T substitution at nucleotide position 988. This changes the amino acid from a glutamine (Q) to a stop codon at amino acid position 330. Premature stop codons are typically deleterious in nature; however, because FOXC2 is a single-exon gene this alteration is not expected to trigger nonsense-mediated mRNA decay and a truncated protein could still be expressed (Maquat, 2004). This alteration removes the last 172 amino acids of the protein and the exact functional impact of these amino acids is unknown at this time. Based on data from population-based cohorts in the Genome Aggregation Database (gnomAD), this variant was not observed; however, this position was not well covered. This variant was reported in an individual with tetralogy of Fallot (Ye, 2023). Based on the available evidence, this alteration is classified as likely pathogenic.

Literature cited by the submitters: PubMed 37406974.

NM_005251.3(FOXC2):c.988C>T (p.Gln330Ter)

Gene: FOXC2 (forkhead box C2; plus strand). Cytogenetic location: 16q24.1.
Variant type: single nucleotide variant.
Coding change: c.988C>T on transcript NM_005251.3 (MANE Select); coding-DNA position 988, C replaced by T.
Protein change: p.Gln330Ter; replaces glutamine 330 with a stop codon.
Molecular consequence: nonsense.
Genome position (GRCh38, 1-based): chr16:86,568,323, C>T. VCF-style: chr16-86568323-C-T. GRCh37 (hg19) VCF-style: chr16-86601929-C-T.
Other names: short protein forms Q330*.
Identifiers: ClinVar variation 3851211 (VCV003851211.1).